The following is an entry in ClinVar:

ClinVar aggregate classification (germline): Uncertain significance. Review status: criteria provided, multiple submitters, no conflicts (2 of 4 stars). 3 submissions from 3 submitters: Uncertain significance (3). Last evaluated 2025-10-23.

Conditions:
Cardiovascular phenotype. Identifiers: MedGen CN230736.
Spinocerebellar ataxia type 19/22 (SCA19). Also called: SPINOCEREBELLAR ATAXIA 19; SPINOCEREBELLAR ATAXIA 22. Identifiers: Orphanet 98772, MedGen C1846367, MONDO:0011819, OMIM 607346.

Allele frequency attached by ClinVar (database versions not stated): TOPMed 0.00001; ExAC 0.00002; gnomAD exomes 0.00002; gnomAD 0.00003.
gnomAD v4.1: 13 of 1,614,042 alleles (0.00081%); highest among the groups gnomAD compares: East Asian, 0.0067%; no homozygotes.

Submissions (3):

Labcorp Genetics (formerly Invitae), Labcorp
Classification: Uncertain significance for Spinocerebellar ataxia type 19/22. Last evaluated: 2025-10-23. Review status: criteria provided, single submitter. Criteria: Invitae Variant Classification Sherloc (09022015). Collection method: clinical testing. Allele origin: germline.
Comment: This sequence change replaces alanine, which is neutral and non-polar, with threonine, which is neutral and polar, at codon 654 of the KCND3 protein (p.Ala654Thr). This variant is present in population databases (rs774711788, gnomAD 0.01%). This variant has not been reported in the literature in individuals affected with KCND3-related conditions. ClinVar contains an entry for this variant (Variation ID: 934368). Invitae Evidence Modeling of protein sequence and biophysical properties (such as structural, functional, and spatial information, amino acid conservation, physicochemical variation, residue mobility, and thermodynamic stability) indicates that this missense variant is expected to disrupt KCND3 protein function with a positive predictive value of 95%. In summary, the available evidence is currently insufficient to determine the role of this variant in disease. Therefore, it has been classified as a Variant of Uncertain Significance.

Ambry Genetics
Classification: Uncertain significance for Cardiovascular phenotype. Last evaluated: 2025-04-03. Review status: criteria provided, single submitter. Criteria: Ambry Variant Classification Scheme 2023. Collection method: clinical testing. Allele origin: germline.

GeneDx
Classification: Uncertain significance. Last evaluated: 2024-04-19. Review status: criteria provided, single submitter. Criteria: GeneDx Variant Classification Process June 2021. Collection method: clinical testing. Allele origin: germline. Affected: yes.
Comment: In silico analysis indicates that this missense variant does not alter protein structure/function; Has not been previously published as pathogenic or benign to our knowledge

NM_001378969.1(KCND3):c.1960G>A (p.Ala654Thr)

Gene: KCND3 (potassium voltage-gated channel subfamily D member 3; minus strand). Cytogenetic location: 1p13.2.
Variant type: single nucleotide variant.
Coding change: c.1960G>A on transcript NM_001378969.1 (MANE Select); coding-DNA position 1960, G replaced by A.
Protein change: p.Ala654Thr; replaces alanine 654 with threonine.
Molecular consequence: missense variant.
Genome position (GRCh38, 1-based): chr1:111,776,085, C>T on the plus strand (G>A on the coding strand, the complement: KCND3 is on the minus strand). VCF-style: chr1-111776085-C-T. GRCh37 (hg19) VCF-style: chr1-112318707-C-T.
Other names: c.1903G>A, p.Ala635Thr (NM_001378970.1, NM_172198.3); c.1960G>A, p.Ala654Thr (NM_004980.5); short protein forms A635T, A654T.
Identifiers: ClinVar variation 934368 (VCV000934368.14), dbSNP rs774711788, ClinGen allele CA1007306.